The following is an entry in ClinVar:

NM_001142800.2(EYS):c.1328dup (p.Asn443fs)

Gene: EYS (EGF-like photoreceptor maintenance factor; minus strand). Cytogenetic location: 6q12.
Variant type: Duplication.
Coding change: c.1328dup on transcript NM_001142800.2 (MANE Select); coding-DNA position 1328, one base duplicated (A; older notation c.1328dupA).
Protein change: p.Asn443fs; shifts the reading frame from asparagine 443.
Molecular consequence: frameshift variant.
Genome position (GRCh38, 1-based): chr6:65,353,589, T duplicated on the plus strand (A on the coding strand, the reverse complement: EYS is on the minus strand); the first of 6 consecutive T bases (chr6:65,353,589-65,353,594); duplicating any one gives the same sequence. VCF-style (leftmost placement, unchanged base first): chr6-65353588-A-AT. GRCh37 (hg19) VCF-style: chr6-66063481-A-AT.
Other names: c.1328dupA (NM_001142800.1); c.1328dup, p.Asn443fs (NM_001142801.2, NM_001292009.2, NM_198283.2); short protein forms N443fs.
Identifiers: ClinVar variation 802241 (VCV000802241.10), dbSNP rs1582176424, ClinGen allele CA568117600.

ClinVar aggregate classification (germline): Pathogenic/Likely pathogenic. Review status: criteria provided, multiple submitters, no conflicts (2 of 4 stars). 4 submissions from 4 submitters: Pathogenic (3); Likely pathogenic (1). Last evaluated 2025-03-26.

Conditions:
Retinitis pigmentosa 25 (RP25). Identifiers: Orphanet 791, MedGen C1864446, MONDO:0011272, OMIM 602772.

Submissions (4):

3billion
Classification: Pathogenic for Retinitis pigmentosa 25. Last evaluated: 2025-03-26. Review status: criteria provided, single submitter. Criteria: ACMG Guidelines, 2015. Collection method: clinical testing. Allele origin: germline. Affected: yes.

Labcorp Genetics (formerly Invitae), Labcorp
Classification: Pathogenic. Last evaluated: 2024-05-29. Review status: criteria provided, single submitter. Criteria: Invitae Variant Classification Sherloc (09022015). Collection method: clinical testing. Allele origin: germline.
Comment: This sequence change creates a premature translational stop signal (p.Asn443Lysfs*30) in the EYS gene. It is expected to result in an absent or disrupted protein product. Loss-of-function variants in EYS are known to be pathogenic (PMID: 18836446, 20333770). This variant is not present in population databases (gnomAD no frequency). This variant has not been reported in the literature in individuals affected with EYS-related conditions. ClinVar contains an entry for this variant (Variation ID: 802241). For these reasons, this variant has been classified as Pathogenic.

Natera, Inc.
Classification: Likely pathogenic for Retinitis pigmentosa type 25. Last evaluated: 2024-05-15. Review status: criteria provided, single submitter. Criteria: Natera Variant Classification Schema (03/2026). Collection method: clinical testing. Allele origin: germline.
Comment: The c.1328dupA variant in EYS is a frameshift variant predicted to shift the reading frame beginning at codon 443 and leads to a stop codon 30 codons downstream. This variant is expected to result in nonsense mediated decay, truncation, or a dysfunctional protein product. This variant is rare in the general population with a frequency below the threshold expected for the associated phenotype(s). Given the available evidence, this variant is classified as Likely Pathogenic.

Mendelics
Classification: Pathogenic for Retinitis pigmentosa 25. Last evaluated: 2019-05-28. Review status: criteria provided, single submitter. Criteria: Mendelics Assertion Criteria 2017. Collection method: clinical testing. Allele origin: unknown.

Literature cited by the submitters: PubMed 18836446 (cited by Labcorp Genetics (formerly Invitae), Labcorp); PubMed 20333770 (cited by Labcorp Genetics (formerly Invitae), Labcorp).